The following is an entry in ClinVar:

ClinVar aggregate classification (germline): Uncertain significance (1 of 4 stars; one submission).

Conditions:
Kabuki syndrome 1 (KABUK1). Also called: KMT2D-Related Kabuki Syndrome. Identifiers: Orphanet 2322, MedGen CN030661, MONDO:0007843, OMIM 147920.

Allele frequency attached by ClinVar (database versions not stated): gnomAD exomes below 0.00001.
gnomAD v4.1: 2 of 1,550,224 alleles (0.00013%); highest among the groups gnomAD compares: Non-Finnish European, 0.00017%; no homozygotes.

Submission:

Victorian Clinical Genetics Services, Murdoch Childrens Research Institute
Classification: Uncertain significance for Kabuki syndrome 1. Last evaluated: 2020-05-25. Review status: criteria provided, single submitter. Criteria: ACMG Guidelines, 2015. Collection method: clinical testing. Allele origin: germline. Inheritance: Autosomal dominant inheritance.
Comment: Based on the classification scheme VCGS_Germline_v1.1.1, this variant is classified as 3C-VUS. Following criteria are met: 0102 - Loss-of-function is a known mechanism of disease for this gene. (N) 0107 - This gene is known to be associated with autosomal dominant disease. (N) 0200 - Variant is predicted to result in a missense amino acid change from serine to threonine (exon 39). (N) 0251 - Variant is heterozygous. (N) 0301 - Variant is absent from gnomAD. (P) 0309 - An alternative amino acid change at the same position has been observed in gnomAD (1 heterozygotes, 0 homozygotes). (N) 0503 - Missense variant consistently predicted to be tolerated or not conserved in mammals with a minor amino acid change. (B) 0604 - Variant is not located in an established domain, motif, hotspot or informative constraint region PDB, NCBI and DECIPHER). (N) 0705 - No comparable variants have previous evidence for pathogenicity. (N) 0807 - Variant has not previously been reported in a clinical context. (N) 0905 - No segregation evidence has been identified for this variant. (N) 1007 - No published functional evidence has been identified for this variant. (N) 1208 - Inheritance information for this variant is not currently available. (N) Legend: (P) - Pathogenic, (N) - Neutral, (B) - Benign

NM_003482.4(KMT2D):c.11605T>A (p.Ser3869Thr)

Gene: KMT2D (lysine methyltransferase 2D; minus strand). Cytogenetic location: 12q13.12.
Variant type: single nucleotide variant.
Coding change: c.11605T>A on transcript NM_003482.4 (MANE Select); coding-DNA position 11605, T replaced by A.
Protein change: p.Ser3869Thr; replaces serine 3869 with threonine.
Molecular consequence: missense variant.
Genome position (GRCh38, 1-based): chr12:49,033,100, A>T on the plus strand (T>A on the coding strand, the complement: KMT2D is on the minus strand). VCF-style: chr12-49033100-A-T. GRCh37 (hg19) VCF-style: chr12-49426883-A-T.
Other names: short protein forms S3869T.
Identifiers: ClinVar variation 1806283 (VCV001806283.1), dbSNP rs2120438841, ClinGen allele CA384717192.